The following is an entry in ClinVar:

NC_000023.11:g.(?_31836708)_(31836829_?)del

Gene: DMD (dystrophin; minus strand). Cytogenetic location: Xp21.1.
Variant type: Deletion.
Identifiers: ClinVar variation 833063 (VCV000833063.1).

ClinVar aggregate classification (germline): Pathogenic (1 of 4 stars; one submission).

Conditions:
Duchenne muscular dystrophy (DMD). Also called: Duchenne Muscular Dystrophy (DMD); MUSCULAR DYSTROPHY, PSEUDOHYPERTROPHIC PROGRESSIVE, DUCHENNE TYPE. Identifiers: Orphanet 98896, MedGen C0013264, MONDO:0010679, OMIM 310200.

Submission:

Labcorp Genetics (formerly Invitae), Labcorp
Classification: Pathogenic for Duchenne muscular dystrophy. Last evaluated: 2019-12-15. Review status: criteria provided, single submitter. Criteria: Invitae Variant Classification Sherloc (09022015). Collection method: clinical testing. Allele origin: germline.
Comment: This variant is an in-frame deletion of the genomic region encompassing exon 49 of the DMD gene. It preserves the integrity of the reading frame. Similar deletions of exon 49 have been observed in individuals affected with DMD-related conditions (PMID: 9619643, 14977063, 27854212). Experimental studies and prediction algorithms are not available or were not evaluated, and the functional significance of this variant is currently unknown. For these reasons, this variant has been classified as Pathogenic.

Literature cited by the submitters: PubMed 9619643; PubMed 27854212; PubMed 14977063.